The following is an entry in ClinVar:

NM_015662.3(IFT172):c.3632T>C (p.Leu1211Ser)

Genes: IFT172 (intraflagellar transport 172; minus strand), LOC126806173 (BRD4-independent group 4 enhancer GRCh37_chr2:27676057-27677256; plus strand). Cytogenetic location: 2p23.3.
Variant type: single nucleotide variant.
Coding change: c.3632T>C on transcript NM_015662.3 (MANE Select); coding-DNA position 3632, T replaced by C.
Protein change: p.Leu1211Ser; replaces leucine 1211 with serine.
Molecular consequence: missense variant.
Genome position (GRCh38, 1-based): chr2:27,454,061, A>G on the plus strand (T>C on the coding strand, the complement: IFT172 is on the minus strand). VCF-style: chr2-27454061-A-G. GRCh37 (hg19) VCF-style: chr2-27676928-A-G.
Other names: c.3566T>C, p.Leu1189Ser (NM_001410739.1); short protein forms L1189S, L1211S.
Identifiers: ClinVar variation 3347109 (VCV003347109.1).

ClinVar aggregate classification (germline): Uncertain significance (0 of 4 stars; one submission).

Conditions:
IFT172-related disorder. Also called: IFT172-related disorders; IFT172-related condition.

Submission:

PreventionGenetics, part of Exact Sciences
Classification: Uncertain significance for IFT172-related condition. Last evaluated: 2024-05-21. Review status: no assertion criteria provided. Collection method: clinical testing. Allele origin: germline.
Comment: The IFT172 c.3632T>C variant is predicted to result in the amino acid substitution p.Leu1211Ser. To our knowledge, this variant has not been reported in the literature or in a large population database, indicating this variant is rare. At this time, the clinical significance of this variant is uncertain due to the absence of conclusive functional and genetic evidence.